The following is an entry in ClinVar:

ClinVar aggregate classification (germline): Conflicting classifications of pathogenicity. Review status: criteria provided, conflicting classifications (1 of 4 stars). 3 submissions from 3 submitters: Uncertain significance (2); Likely benign (1). Last evaluated 2023-12-13.

Conditions:
Hereditary cancer-predisposing syndrome. Also called: Hereditary neoplastic syndrome; Neoplastic Syndromes, Hereditary; Tumor predisposition; Hereditary Cancer Syndrome. Identifiers: Orphanet 140162, MedGen C0027672, MeSH D009386, MONDO:0015356.
Hereditary breast ovarian cancer syndrome. Also called: Hereditary breast and/or ovarian cancer syndrome; Hereditary breast and ovarian cancer syndrome; Hereditary breast and ovarian cancer; Hereditary breast and ovarian cancer syndrome (HBOC); Breast and ovarian cancer; BRCA1- and BRCA2-Associated Hereditary Breast and Ovarian Cancer. Identifiers: Orphanet 145, MedGen C0677776, MeSH D061325, MONDO:0003582. Disease mechanism: loss of function.

Allele frequency attached by ClinVar (database versions not stated): gnomAD exomes below 0.00001; ExAC 0.00001.
gnomAD v4.1: 1 of 1,614,094 alleles (0.000062%); highest among the groups gnomAD compares: South Asian, 0.0011%; no homozygotes.

Submissions (3):

Ambry Genetics
Classification: Uncertain significance for Hereditary cancer-predisposing syndrome. Last evaluated: 2023-12-13. Review status: criteria provided, single submitter. Criteria: Ambry Variant Classification Scheme 2023. Collection method: clinical testing. Allele origin: germline.
Comment: The p.L760S variant (also known as c.2279T>C), located in coding exon 10 of the BRCA2 gene, results from a T to C substitution at nucleotide position 2279. The leucine at codon 760 is replaced by serine, an amino acid with dissimilar properties. This amino acid position is not well conserved in available vertebrate species. In addition, this alteration is predicted to be tolerated by in silico analysis. Since supporting evidence is limited at this time, the clinical significance of this alteration remains unclear.

Labcorp Genetics (formerly Invitae), Labcorp
Classification: Uncertain significance for Hereditary breast ovarian cancer syndrome. Last evaluated: 2023-11-09. Review status: criteria provided, single submitter. Criteria: Invitae Variant Classification Sherloc (09022015). Collection method: clinical testing. Allele origin: germline.
Comment: This sequence change replaces leucine, which is neutral and non-polar, with serine, which is neutral and polar, at codon 760 of the BRCA2 protein (p.Leu760Ser). This variant is present in population databases (rs757410810, gnomAD 0.003%). This variant has not been reported in the literature in individuals affected with BRCA2-related conditions. ClinVar contains an entry for this variant (Variation ID: 2094204). Advanced modeling of protein sequence and biophysical properties (such as structural, functional, and spatial information, amino acid conservation, physicochemical variation, residue mobility, and thermodynamic stability) performed at Invitae indicates that this missense variant is not expected to disrupt BRCA2 protein function with a negative predictive value of 95%. In summary, the available evidence is currently insufficient to determine the role of this variant in disease. Therefore, it has been classified as a Variant of Uncertain Significance.

University of Washington Department of Laboratory Medicine, University of Washington
Classification: Likely benign for Hereditary cancer-predisposing syndrome. Last evaluated: 2023-03-23. Review status: criteria provided, single submitter. Criteria: Dines et al. (Genet Med. 2020). Collection method: curation. Allele origin: germline.
Comment: Missense variant in a coldspot region where missense variants are very unlikely to be pathogenic (PMID:31911673).

BRCA2 exon 11 coldspot. Reclassification based on statistical prior probability.

NM_000059.4(BRCA2):c.2279T>C (p.Leu760Ser)

Gene: BRCA2 (BRCA2 DNA repair associated; plus strand). Cytogenetic location: 13q13.1.
Variant type: single nucleotide variant.
Coding change: c.2279T>C on transcript NM_000059.4 (MANE Select); coding-DNA position 2279, T replaced by C.
Protein change: p.Leu760Ser; replaces leucine 760 with serine.
Molecular consequence: missense variant.
Genome position (GRCh38, 1-based): chr13:32,336,634, T>C. VCF-style: chr13-32336634-T-C. GRCh37 (hg19) VCF-style: chr13-32910771-T-C.
Other names: c.2279T>C, p.Leu760Ser (NM_001406719.1, NM_001406720.1); short protein forms L760S.
Identifiers: ClinVar variation 2094204 (VCV002094204.7), dbSNP rs757410810, ClinGen allele CA6940592.